The following is an entry in ClinVar:

NM_001035.3(RYR2):c.1033G>C (p.Glu345Gln)

Gene: RYR2 (ryanodine receptor 2; plus strand). Cytogenetic location: 1q43.
Variant type: single nucleotide variant.
Coding change: c.1033G>C on transcript NM_001035.3 (MANE Select); coding-DNA position 1033, G replaced by C.
Protein change: p.Glu345Gln; replaces glutamic acid 345 with glutamine.
Molecular consequence: missense variant.
Genome position (GRCh38, 1-based): chr1:237,441,346, G>C. VCF-style: chr1-237441346-G-C. GRCh37 (hg19) VCF-style: chr1-237604646-G-C.
Other names: short protein forms E345Q.
Identifiers: ClinVar variation 2001339 (VCV002001339.4), dbSNP rs2528320583, ClinGen allele CA345376017.

ClinVar aggregate classification (germline): Uncertain significance (1 of 4 stars; one submission).

Conditions:
Catecholaminergic polymorphic ventricular tachycardia 1. Also called: RYR2-Related Catecholaminergic Polymorphic Ventricular Tachycardia; VENTRICULAR TACHYCARDIA, CATECHOLAMINERGIC POLYMORPHIC, 1, WITH OR WITHOUT ATRIAL DYSFUNCTION AND/OR DILATED CARDIOMYOPATHY; VENTRICULAR TACHYCARDIA, STRESS-INDUCED POLYMORPHIC 1. Identifiers: Orphanet 3286, MedGen C1631597, MONDO:0011484, OMIM 604772.

Submission:

Labcorp Genetics (formerly Invitae), Labcorp
Classification: Uncertain significance for Catecholaminergic polymorphic ventricular tachycardia 1. Last evaluated: 2022-11-01. Review status: criteria provided, single submitter. Criteria: Invitae Variant Classification Sherloc (09022015). Collection method: clinical testing. Allele origin: germline.
Comment: In summary, the available evidence is currently insufficient to determine the role of this variant in disease. Therefore, it has been classified as a Variant of Uncertain Significance. Advanced modeling of protein sequence and biophysical properties (such as structural, functional, and spatial information, amino acid conservation, physicochemical variation, residue mobility, and thermodynamic stability) performed at Invitae indicates that this missense variant is not expected to disrupt RYR2 protein function. This variant has not been reported in the literature in individuals affected with RYR2-related conditions. This variant is not present in population databases (gnomAD no frequency). This sequence change replaces glutamic acid, which is acidic and polar, with glutamine, which is neutral and polar, at codon 345 of the RYR2 protein (p.Glu345Gln).